The following is an entry in ClinVar:

ClinVar aggregate classification (germline): Uncertain significance. Review status: criteria provided, multiple submitters, no conflicts (2 of 4 stars). 2 submissions from 2 submitters: Uncertain significance (2). Last evaluated 2025-08-28.

Conditions:
Inborn genetic diseases. Identifiers: MedGen C0950123, MeSH D030342.

Allele frequency attached by ClinVar (database versions not stated): gnomAD exomes 0.00006; ExAC 0.00010; 1000 Genomes Project 0.00020.
gnomAD v4.1: 70 of 1,611,938 alleles (0.0043%); highest among the groups gnomAD compares: South Asian, 0.076%; no homozygotes.

Submissions (2):

Ambry Genetics
Classification: Uncertain significance for Inborn genetic diseases. Last evaluated: 2025-08-28. Review status: criteria provided, single submitter. Criteria: Ambry Variant Classification Scheme 2023. Collection method: clinical testing. Allele origin: germline.

Labcorp Genetics (formerly Invitae), Labcorp
Classification: Uncertain significance. Last evaluated: 2023-01-08. Review status: criteria provided, single submitter. Criteria: Invitae Variant Classification Sherloc (09022015). Collection method: clinical testing. Allele origin: germline.
Comment: Algorithms developed to predict the effect of missense changes on protein structure and function output the following: SIFT: "Tolerated"; PolyPhen-2: "Benign"; Align-GVGD: "Class C0". The lysine amino acid residue is found in multiple mammalian species, which suggests that this missense change does not adversely affect protein function. ClinVar contains an entry for this variant (Variation ID: 1361361). This variant has not been reported in the literature in individuals affected with AP3B2-related conditions. This variant is present in population databases (rs566085030, gnomAD 0.05%). This sequence change replaces glutamic acid, which is acidic and polar, with lysine, which is basic and polar, at codon 728 of the AP3B2 protein (p.Glu728Lys). In summary, the available evidence is currently insufficient to determine the role of this variant in disease. Therefore, it has been classified as a Variant of Uncertain Significance.

NM_001278512.2(AP3B2):c.2239G>A (p.Glu747Lys)

Genes: AP3B2 (adaptor related protein complex 3 subunit beta 2; minus strand), CPEB1-AS1 (CPEB1 antisense RNA 1; plus strand). Cytogenetic location: 15q25.2.
Variant type: single nucleotide variant.
Coding change: c.2239G>A on transcript NM_001278512.2 (MANE Select); coding-DNA position 2239, G replaced by A.
Protein change: p.Glu747Lys; replaces glutamic acid 747 with lysine.
Molecular consequence: missense variant.
Genome position (GRCh38, 1-based): chr15:82,664,389, C>T on the plus strand (G>A on the coding strand, the complement: AP3B2 is on the minus strand). VCF-style: chr15-82664389-C-T. GRCh37 (hg19) VCF-style: chr15-83333141-C-T.
Other names: c.2182G>A (NM_004644.3); c.2086G>A, p.Glu696Lys (NM_001278511.2); c.2182G>A, p.Glu728Lys (NM_004644.5); short protein forms E747K, E696K, E728K.
Identifiers: ClinVar variation 1361361 (VCV001361361.8), dbSNP rs566085030, ClinGen allele CA7699983.